The following is an entry in ClinVar:

ClinVar aggregate classification (germline): Pathogenic/Likely pathogenic. Review status: criteria provided, multiple submitters, no conflicts (2 of 4 stars). 2 submissions from 2 submitters: Pathogenic (1); Likely pathogenic (1). Last evaluated 2025-02-24.

Conditions:
Usher syndrome type 1F (USH1F). Also called: USHER SYNDROME, TYPE IF. Identifiers: Orphanet 231169, Orphanet 886, MedGen C1865885, MONDO:0011186, OMIM 602083.

Submissions (2):

Natera, Inc.
Classification: Likely pathogenic for Usher syndrome type 1F. Last evaluated: 2025-02-24. Review status: criteria provided, single submitter. Criteria: Natera Variant Classification Schema (03/2026). Collection method: clinical testing. Allele origin: germline.
Comment: The c.4382_4385dup variant in PCDH15 is a frameshift variant predicted to shift the reading frame beginning at codon 1462 and leads to a stop codon 10 codons downstream. This variant may result in a truncated or dysfunctional protein product. This variant is rare in the general population with a frequency below the threshold expected for the associated phenotype(s). Given the available evidence, this variant is classified as Likely Pathogenic.

Labcorp Genetics (formerly Invitae), Labcorp
Classification: Pathogenic. Last evaluated: 2023-05-07. Review status: criteria provided, single submitter. Criteria: Invitae Variant Classification Sherloc (09022015). Collection method: clinical testing. Allele origin: germline.
Comment: This sequence change creates a premature translational stop signal (p.His1462Glnfs*10) in the PCDH15 gene. While this is not anticipated to result in nonsense mediated decay, it is expected to disrupt the last 494 amino acid(s) of the PCDH15 protein. For these reasons, this variant has been classified as Pathogenic. This variant disrupts a region of the PCDH15 protein in which other variant(s) (p.Gln1576*) have been determined to be pathogenic (PMID: 28281779). This suggests that this is a clinically significant region of the protein, and that variants that disrupt it are likely to be disease-causing. This variant has not been reported in the literature in individuals affected with PCDH15-related conditions. This variant is not present in population databases (gnomAD no frequency).

Literature cited by the submitters: PubMed 28281779 (cited by Labcorp Genetics (formerly Invitae), Labcorp).

NM_033056.4(PCDH15):c.4382_4385dup (p.His1462fs)

Gene: PCDH15 (protocadherin related 15; minus strand). Cytogenetic location: 10q21.1.
Variant type: Duplication.
Coding change: c.4382_4385dup on transcript NM_033056.4 (MANE Plus Clinical); coding-DNA positions 4382 to 4385, 4 bases duplicated (ACCA; older notation c.4382_4385dupACCA).
Protein change: p.His1462fs; shifts the reading frame from histidine 1462.
Molecular consequence: frameshift variant. On other transcripts: intron variant (8).
Genome position (GRCh38, 1-based): chr10:53,823,341-53,823,344, TGGT duplicated on the plus strand (ACCA on the coding strand, the reverse complement: PCDH15 is on the minus strand). VCF-style (leftmost placement, unchanged base first): chr10-53823340-A-ATGGT. GRCh37 (hg19) VCF-style: chr10-55583100-A-ATGGT.
Other names: c.4403_4406dup, p.His1469fs (NM_001142763.2); c.4388_4391dup, p.His1464fs (NM_001142764.2); c.4175_4178dup, p.His1393fs (NM_001142765.2); c.4373_4376dup, p.His1459fs (NM_001142766.2); c.4262_4265dup, p.His1422fs (NM_001142767.2); c.4322_4325dup, p.His1442fs (NM_001142768.2); c.4313_4316dup, p.His1439fs (NM_001142773.2); c.4316_4319dup, p.His1440fs (NM_001354404.2); and 6 more; short protein forms H1393fs, H1440fs, H1469fs, H1439fs, H1462fs, H1464fs, H1422fs, H1442fs.
Identifiers: ClinVar variation 2908583 (VCV002908583.5), dbSNP rs2492417837, ClinGen allele CA2739265387.